The following is an entry in ClinVar:

ClinVar aggregate classification (germline): Pathogenic/Likely pathogenic. Review status: criteria provided, multiple submitters, no conflicts (2 of 4 stars). 4 submissions from 4 submitters: Pathogenic (1); Likely pathogenic (3). Last evaluated 2025-06-05.

Conditions:
Hereditary cancer-predisposing syndrome. Also called: Tumor predisposition; Hereditary Cancer Syndrome; Hereditary neoplastic syndrome; Neoplastic Syndromes, Hereditary. Identifiers: Orphanet 140162, MedGen C0027672, MeSH D009386, MONDO:0015356.
Familial adenomatous polyposis 4 (FAP4). Also called: MSH3-related attenuated familial adenomatous polyposis. Identifiers: Orphanet 480536, MedGen C4310719, MONDO:0044300, OMIM 617100.
Endometrial carcinoma. Also called: Endometrial carcinoma, somatic. Identifiers: MedGen C0476089, MONDO:0002447, OMIM 608089, HP:0012114.

Submissions (5):

Ambry Genetics
Classification: Likely pathogenic for Hereditary cancer-predisposing syndrome. Last evaluated: 2025-06-05. Review status: criteria provided, single submitter. Criteria: Ambry Variant Classification Scheme 2023. Collection method: clinical testing. Allele origin: germline.
Comment: The c.1896+1G>A intronic variant results from a G to A substitution one nucleotide after coding exon 13 of the MSH3 gene. This nucleotide position is highly conserved in available vertebrate species. In silico splice site analysis predicts that this alteration will weaken the native splice donor site; however, direct evidence is insufficient at this time (Ambry internal data). Alterations that disrupt the canonical splice site are expected to cause aberrant splicing, resulting in an abnormal protein or a transcript that is subject to nonsense-mediated mRNA decay. As such, this alteration is classified as likely pathogenic.

Labcorp Genetics (formerly Invitae), Labcorp
Classification: Pathogenic. Last evaluated: 2025-05-13. Review status: criteria provided, single submitter. Criteria: Invitae Variant Classification Sherloc (09022015). Collection method: clinical testing. Allele origin: germline.
Comment: This sequence change affects a donor splice site in intron 13 of the MSH3 gene. RNA analysis indicates that disruption of this splice site induces altered splicing and may result in an absent or altered protein product. This variant is not present in population databases (gnomAD no frequency). This variant has not been reported in the literature in individuals affected with MSH3-related conditions. ClinVar contains an entry for this variant (Variation ID: 1471796). Studies have shown that disruption of this splice site results in skipping of exon 13, and produces a non-functional protein and/or introduces a premature termination codon (internal data). For these reasons, this variant has been classified as Pathogenic.

Myriad Genetics, Inc.
Classification: Likely pathogenic for Familial adenomatous polyposis 4. Last evaluated: 2023-08-30. Review status: criteria provided, single submitter. Criteria: Myriad Autosomal Dominant, Autosomal Recessive and X-Linked Classification Criteria (2023). Collection method: clinical testing. Allele origin: unknown.
Comment: This variant is considered likely pathogenic. This variant occurs within a consensus splice junction and is predicted to result in abnormal mRNA splicing of either an out-of-frame exon or an in-frame exon necessary for protein stability and/or normal function.

Baylor Genetics
Classification: Likely pathogenic for Endometrial carcinoma. Last evaluated: 2023-08-18. Review status: criteria provided, single submitter. Criteria: ACMG Guidelines, 2015. Collection method: clinical testing. Allele origin: unknown.

Dr. Peter K. Rogan Lab, Western University
No classification provided (evidence only). Condition: Thyroid cancer, nonmedullary, 1. Review status: no classification provided. Collection method: in vitro. Allele origin: not applicable. Functional consequence: retained intron. Not counted in ClinVar's aggregate classification.

NM_002439.5(MSH3):c.1896+1G>A

Gene: MSH3 (mutS homolog 3; plus strand). Cytogenetic location: 5q14.1.
Variant type: single nucleotide variant.
Coding change: c.1896+1G>A on transcript NM_002439.5 (MANE Select); the canonical splice donor site of the intron after coding-DNA position 1896, G replaced by A.
Molecular consequence: splice donor variant.
Genome position (GRCh38, 1-based): chr5:80,761,679, G>A. VCF-style: chr5-80761679-G-A. GRCh37 (hg19) VCF-style: chr5-80057498-G-A.
Identifiers: ClinVar variation 1471796 (VCV001471796.13), dbSNP rs1330593620, ClinGen allele CA360276752.
Genomic context (GRCh38, chr5:80,761,679, plus strand): 5'-AATCATCTACGTAAATTGCCCGACATAGAGAGGGGACTCTGTAGCATTTATCACAAAAAA[G>A]TAAGTGTGATAGAAATCTATTAAAGCTGACAGTGTTCTTCAGCTTGAGGACACTATATAT-3'